The following is an entry in ClinVar:

NM_024818.6(UBA5):c.446A>G (p.Tyr149Cys)

Genes: NPHP3-ACAD11 (NPHP3-ACAD11 readthrough (NMD candidate); minus strand), UBA5 (ubiquitin like modifier activating enzyme 5; plus strand). Cytogenetic location: 3q22.1.
Variant type: single nucleotide variant.
Coding change: c.446A>G on transcript NM_024818.6 (MANE Select); coding-DNA position 446, A replaced by G.
Protein change: p.Tyr149Cys; replaces tyrosine 149 with cysteine.
Molecular consequence: missense variant.
Genome position (GRCh38, 1-based): chr3:132,670,236, A>G. VCF-style: chr3-132670236-A-G. GRCh37 (hg19) VCF-style: chr3-132389080-A-G.
Other names: c.278A>G, p.Tyr93Cys (NM_001320210.2, NM_198329.4); c.176A>G, p.Tyr59Cys (NM_001321238.2); c.110A>G, p.Tyr37Cys (NM_001321239.1); short protein forms Y37C, Y59C, Y149C, Y93C.
Identifiers: ClinVar variation 1424842 (VCV001424842.5), dbSNP rs376247071, ClinGen allele CA2621353.

ClinVar aggregate classification (germline): Uncertain significance (1 of 4 stars; one submission).

Allele frequency attached by ClinVar (database versions not stated): TOPMed below 0.00001; gnomAD 0.00001; gnomAD exomes 0.00003 and 0.00004; ExAC 0.00006; ESP Exome Variant Server 0.00008.
gnomAD v4.1: 41 of 1,509,234 alleles (0.0027%); highest among the groups gnomAD compares: Non-Finnish European, 0.0035%; no homozygotes.

Submission:

Labcorp Genetics (formerly Invitae), Labcorp
Classification: Uncertain significance. Last evaluated: 2021-10-22. Review status: criteria provided, single submitter. Criteria: Invitae Variant Classification Sherloc (09022015). Collection method: clinical testing. Allele origin: germline.
Comment: This sequence change replaces tyrosine with cysteine at codon 149 of the UBA5 protein (p.Tyr149Cys). The tyrosine residue is moderately conserved and there is a large physicochemical difference between tyrosine and cysteine. This variant has not been reported in the literature in individuals affected with UBA5-related conditions. This variant is present in population databases (rs376247071, ExAC 0.01%). Algorithms developed to predict the effect of missense changes on protein structure and function are either unavailable or do not agree on the potential impact of this missense change (SIFT: "Not Available"; PolyPhen-2: "Benign"; Align-GVGD: "Not Available"). In summary, the available evidence is currently insufficient to determine the role of this variant in disease. Therefore, it has been classified as a Variant of Uncertain Significance.